The following is an entry in ClinVar:

NM_001042724.2(NECTIN2):c.89-10C>T

Gene: NECTIN2 (nectin cell adhesion molecule 2; plus strand). Cytogenetic location: 19q13.32.
Variant type: single nucleotide variant.
Coding change: c.89-10C>T on transcript NM_001042724.2 (MANE Select); 10 bases into the intron before coding-DNA position 89, C replaced by T.
Molecular consequence: intron variant.
Genome position (GRCh38, 1-based): chr19:44,865,261, C>T. VCF-style: chr19-44865261-C-T. GRCh37 (hg19) VCF-style: chr19-45368518-C-T.
Other names: c.89-10C>T (NM_002856.3).
Identifiers: ClinVar variation 3054519 (VCV003054519.2), dbSNP rs376208680, ClinGen allele CA9505036.

ClinVar aggregate classification (germline): Likely benign (0 of 4 stars; one submission).

Conditions:
NECTIN2-related disorder. Also called: NECTIN2-related condition.

Allele frequency attached by ClinVar (database versions not stated): gnomAD exomes 0.00010; ExAC 0.00041; 1000 Genomes Project 0.00060; 1000 Genomes Project 30x 0.00062; ESP Exome Variant Server 0.00123; gnomAD 0.00129; TOPMed 0.00156.
gnomAD v4.1: 344 of 1,601,756 alleles (0.021%); highest among the groups gnomAD compares: African/African-American, 0.44%; no homozygotes.

Submission:

PreventionGenetics, part of Exact Sciences
Classification: Likely benign for NECTIN2-related condition. Last evaluated: 2022-05-06. Review status: no assertion criteria provided. Collection method: clinical testing. Allele origin: germline.
Comment: This variant is classified as likely benign based on ACMG/AMP sequence variant interpretation guidelines (Richards et al. 2015 PMID: 25741868, with internal and published modifications).